The following is an entry in ClinVar:

NM_002473.6(MYH9):c.200T>G (p.Val67Gly)

Gene: MYH9 (myosin heavy chain 9; minus strand). Cytogenetic location: 22q12.3.
Variant type: single nucleotide variant.
Coding change: c.200T>G on transcript NM_002473.6 (MANE Select); coding-DNA position 200, T replaced by G.
Protein change: p.Val67Gly; replaces valine 67 with glycine.
Molecular consequence: missense variant.
Genome position (GRCh38, 1-based): chr22:36,349,037, A>C on the plus strand (T>G on the coding strand, the complement: MYH9 is on the minus strand). VCF-style: chr22-36349037-A-C. GRCh37 (hg19) VCF-style: chr22-36745082-A-C.
Other names: p.Val67Gly; short protein forms V67G.
Identifiers: ClinVar variation 3380714 (VCV003380714.1).

ClinVar aggregate classification (germline): Uncertain significance (1 of 4 stars; one submission).

Submission:

Mayo Clinic Laboratories, Mayo Clinic
Classification: Uncertain significance. Last evaluated: 2024-02-09. Review status: criteria provided, single submitter. Criteria: ACMG Guidelines, 2015. Collection method: clinical testing. Allele origin: germline. Observed: 1 variant allele.
Comment: PP2, PP3, PM1, PM2_moderate